The following is an entry in ClinVar:

ClinVar aggregate classification (germline): Uncertain significance (1 of 4 stars; one submission).

Allele frequency attached by ClinVar (database versions not stated): TOPMed below 0.00001.

Submission:

GeneDx
Classification: Uncertain significance. Last evaluated: 2026-09-30. Review status: criteria provided, single submitter. Criteria: GeneDx Variant Classification Process June 2021. Collection method: clinical testing. Allele origin: germline.
Comment: Not observed at significant frequency in large population cohorts (gnomAD); In silico analysis supports that this missense variant has a deleterious effect on protein structure/function; Has not been previously published as pathogenic or benign to our knowledge

NM_001292063.2(OTOG):c.7847T>C (p.Leu2616Pro)

Gene: OTOG (otogelin; plus strand). Cytogenetic location: 11p15.1.
Variant type: single nucleotide variant.
Coding change: c.7847T>C on transcript NM_001292063.2 (MANE Select); coding-DNA position 7847, T replaced by C.
Protein change: p.Leu2616Pro; replaces leucine 2616 with proline.
Molecular consequence: missense variant.
Genome position (GRCh38, 1-based): chr11:17,638,502, T>C. VCF-style: chr11-17638502-T-C. GRCh37 (hg19) VCF-style: chr11-17660049-T-C.
Other names: c.7883T>C, p.Leu2628Pro (NM_001277269.2); short protein forms L2616P, L2628P.
Identifiers: ClinVar variation 1305296 (VCV001305296.3), dbSNP rs1847900408, ClinGen allele CA379780964.